The following is an entry in ClinVar:

ClinVar aggregate classification (germline): Uncertain significance (1 of 4 stars; one submission).

gnomAD v4.1: 2 of 1,550,966 alleles (0.00013%); highest among the groups gnomAD compares: Non-Finnish European, 0.000087%; no homozygotes.

Submission:

Labcorp Genetics (formerly Invitae), Labcorp
Classification: Uncertain significance. Last evaluated: 2024-11-08. Review status: criteria provided, single submitter. Criteria: Invitae Variant Classification Sherloc (09022015). Collection method: clinical testing. Allele origin: germline.
Comment: This sequence change replaces glutamine, which is neutral and polar, with arginine, which is basic and polar, at codon 381 of the COL9A2 protein (p.Gln381Arg). The frequency data for this variant in the population databases is considered unreliable, as metrics indicate poor data quality at this position in the gnomAD database. This variant has not been reported in the literature in individuals affected with COL9A2-related conditions. ClinVar contains an entry for this variant (Variation ID: 2135162). Invitae Evidence Modeling of protein sequence and biophysical properties (such as structural, functional, and spatial information, amino acid conservation, physicochemical variation, residue mobility, and thermodynamic stability) indicates that this missense variant is not expected to disrupt COL9A2 protein function with a negative predictive value of 95%. In summary, the available evidence is currently insufficient to determine the role of this variant in disease. Therefore, it has been classified as a Variant of Uncertain Significance.

NM_001852.4(COL9A2):c.1142A>G (p.Gln381Arg)

Gene: COL9A2 (collagen type IX alpha 2 chain; minus strand). Cytogenetic location: 1p34.2.
Variant type: single nucleotide variant.
Coding change: c.1142A>G on transcript NM_001852.4 (MANE Select); coding-DNA position 1142, A replaced by G.
Protein change: p.Gln381Arg; replaces glutamine 381 with arginine.
Molecular consequence: missense variant.
Genome position (GRCh38, 1-based): chr1:40,304,813, T>C on the plus strand (A>G on the coding strand, the complement: COL9A2 is on the minus strand). VCF-style: chr1-40304813-T-C. GRCh37 (hg19) VCF-style: chr1-40770485-T-C.
Other names: short protein forms Q381R.
Identifiers: ClinVar variation 2135162 (VCV002135162.4), dbSNP rs1037784917, ClinGen allele CA21041377.
Genomic context (GRCh38, chr1:40,304,813, plus strand): 5'-GCAGAGGCCCCCGGGGAGGGGCCATTGTGCCAGGCACTTACCTTCTGTCCCATGATGCCC[T>C]GGGGACCAATTTCTCCTCGAGGCCCTGGCTCTCCCTGGAGGAAGGAGAAATTGGGGCTAA-3'
Protein context (NP_001843.1, residues 371-391): EPGPRGEIGP[Gln381Arg]GIMGQKGDQG